The following is an entry in ClinVar:

NM_006514.4(SCN10A):c.3910G>A (p.Ala1304Thr)

Gene: SCN10A (sodium voltage-gated channel alpha subunit 10; minus strand). Cytogenetic location: 3p22.2.
Variant type: single nucleotide variant.
Coding change: c.3910G>A on transcript NM_006514.4 (MANE Select); coding-DNA position 3910, G replaced by A.
Protein change: p.Ala1304Thr; replaces alanine 1304 with threonine.
Molecular consequence: missense variant.
Genome position (GRCh38, 1-based): chr3:38,712,340, C>T on the plus strand (G>A on the coding strand, the complement: SCN10A is on the minus strand). VCF-style: chr3-38712340-C-T. GRCh37 (hg19) VCF-style: chr3-38753831-C-T.
Other names: c.3910G>A (NM_006514.3); c.3907G>A, p.Ala1303Thr (NM_001293306.2); c.3616G>A, p.Ala1206Thr (NM_001293307.2); short protein forms A1304T, A1206T, A1303T.
Identifiers: ClinVar variation 89015 (VCV000089015.10), dbSNP rs142173735, ClinGen allele CA145439.

ClinVar aggregate classification (germline): Uncertain significance. Review status: criteria provided, multiple submitters, no conflicts (2 of 4 stars). 5 submissions from 5 submitters: Uncertain significance (4). 1 of the submissions does not count toward it. Last evaluated 2026-01-28.

Conditions:
SCN10A-related disorder. Also called: SCN10A-related condition.
Cardiovascular phenotype. Identifiers: MedGen CN230736.
Episodic pain syndrome, familial, 2 (FEPS2). Identifiers: Orphanet 306577, MedGen C3809893, MONDO:0014246, OMIM 615551.
Brugada syndrome. Also called: Sudden Unexplained Death Syndrome; Sudden Unexplained Nocturnal Death Syndrome (SUNDS); Sudden unexpected nocturnal death syndrome; Sudden unexplained nocturnal death syndrome. Identifiers: Orphanet 130, MedGen C1142166, MONDO:0015263.

gnomAD v4.1: 61 of 1,614,052 alleles (0.0038%); highest among the groups gnomAD compares: South Asian, 0.0077%; no homozygotes.

Submissions (5):

PreventionGenetics, part of Exact Sciences
Classification: Uncertain significance for SCN10A-related condition. Last evaluated: 2026-01-28. Review status: criteria provided, single submitter. Criteria: ACMG Guidelines, 2015. Collection method: clinical testing. Allele origin: germline.
Comment: The SCN10A c.3910G>A variant is predicted to result in the amino acid substitution p.Ala1304Thr. This variant was reported in an individual with painful peripheral neuropathy (Faber et al. 2012. PubMed ID: 23115331) and in another patient with trigeminal neuralgia (Case 4, Di Stefano et al. 2020. PubMed ID: 31928344). Functional studies indicate this variant may result in increased excitability of dorsal root ganglion neurons due to a gain-of-function (Faber et al. 2012. PubMed ID: 23115331). This variant is reported in 0.011% of alleles in individuals of Latino descent in gnomAD. At this time, the clinical significance of this variant is uncertain due to the absence of conclusive functional and genetic evidence.

Labcorp Genetics (formerly Invitae), Labcorp
Classification: Uncertain significance for Brugada syndrome. Last evaluated: 2025-02-23. Review status: criteria provided, single submitter. Criteria: Invitae Variant Classification Sherloc (09022015). Collection method: clinical testing. Allele origin: germline.
Comment: This sequence change replaces alanine, which is neutral and non-polar, with threonine, which is neutral and polar, at codon 1304 of the SCN10A protein (p.Ala1304Thr). This variant is present in population databases (rs142173735, gnomAD 0.01%). This missense change has been observed in individual(s) with clinical features of SCN10A-related conditions (PMID: 23115331, 31928344). ClinVar contains an entry for this variant (Variation ID: 89015). Invitae Evidence Modeling of protein sequence and biophysical properties (such as structural, functional, and spatial information, amino acid conservation, physicochemical variation, residue mobility, and thermodynamic stability) indicates that this missense variant is not expected to disrupt SCN10A protein function with a negative predictive value of 80%. Experimental studies have shown that this missense change affects SCN10A function (PMID: 23115331). In summary, the available evidence is currently insufficient to determine the role of this variant in disease. Therefore, it has been classified as a Variant of Uncertain Significance.

Ambry Genetics
Classification: Uncertain significance for Cardiovascular phenotype. Last evaluated: 2024-10-09. Review status: criteria provided, single submitter. Criteria: Ambry Variant Classification Scheme 2023. Collection method: clinical testing. Allele origin: germline.
Comment: The p.A1304T variant (also known as c.3910G>A), located in coding exon 22 of the SCN10A gene, results from a G to A substitution at nucleotide position 3910. The alanine at codon 1304 is replaced by threonine, an amino acid with similar properties. This amino acid position is well conserved in available vertebrate species. In addition, this alteration is predicted to be deleterious by in silico analysis. The evidence for this gene-disease relationship is limited; therefore, the clinical significance of this alteration is unclear.

Fulgent Genetics
Classification: Uncertain significance for Episodic pain syndrome, familial, 2. Last evaluated: 2021-10-16. Review status: criteria provided, single submitter. Criteria: ACMG Guidelines, 2015. Collection method: clinical testing. Allele origin: unknown.

OMIM
Classification: Pathogenic for EPISODIC PAIN SYNDROME, FAMILIAL, 2. Last evaluated: 2012-11-20. Review status: no assertion criteria provided. Collection method: literature only. Allele origin: germline. Not counted in ClinVar's aggregate classification.

Literature cited by the submitters: PubMed 23115331 (cited by 3 submitters); PubMed 31928344 (cited by Labcorp Genetics (formerly Invitae), Labcorp).